The following is an entry in ClinVar:

ClinVar aggregate classification (germline): Uncertain significance (1 of 4 stars; one submission).

Conditions:
Developmental delay, impaired speech, and behavioral abnormalities. Identifiers: MedGen C5561957, MONDO:0859178, OMIM 619475.

gnomAD v4.1: 6 of 1,613,440 alleles (0.00037%); highest among the groups gnomAD compares: East Asian, 0.0022%; no homozygotes.

Submission:

Pittsburgh Clinical Genomics Laboratory, University of Pittsburgh Medical Center
Classification: Uncertain significance for Developmental delay, impaired speech, and behavioral abnormalities. Last evaluated: 2024-05-22. Review status: criteria provided, single submitter. Criteria: ACMG Guidelines, 2015. Collection method: clinical testing. Allele origin: germline. Inheritance: Autosomal dominant inheritance. Affected: yes.
Comment: This sequence variant is a single nucleotide substitution (G>A) at position 3782 of the coding sequence of the SPTBN1 gene that results in an arginine to histidine amino acid change at residue 1261 of the spectrin beta, non-erythrocytic 1 protein. This variant is absent from ClinVar. This variant is present in 6 of 1613440 alleles (0.0003719%) in the gnomAD v4.1.0 population database. Multiple bioinformatic tools predict that this arginine to histidine amino acid change would be damaging, and the Arg1261 residue at this position is highly conserved across the vertebrate species examined. Observations of this variant and studies examining the functional consequence of this variant have not been published, to our knowledge. At this time, there is insufficient evidence to determine if this variant is pathogenic or benign. Therefore, we consider this a variant of uncertain significance. ACMG Criteria: PM2, PP2, PP3

NM_003128.3(SPTBN1):c.3782G>A (p.Arg1261His)

Gene: SPTBN1 (spectrin beta, non-erythrocytic 1; plus strand). Cytogenetic location: 2p16.2.
Variant type: single nucleotide variant.
Coding change: c.3782G>A on transcript NM_003128.3 (MANE Select); coding-DNA position 3782, G replaced by A.
Protein change: p.Arg1261His; replaces arginine 1261 with histidine.
Molecular consequence: missense variant.
Genome position (GRCh38, 1-based): chr2:54,637,727, G>A. VCF-style: chr2-54637727-G-A. GRCh37 (hg19) VCF-style: chr2-54864864-G-A.
Other names: c.3743G>A, p.Arg1248His (NM_178313.3); short protein forms R1248H, R1261H.
Identifiers: ClinVar variation 3376453 (VCV003376453.1).
Genomic context (GRCh38, chr2:54,637,727, plus strand): 5'-TCTCTACTTCCTTTTTTAAAAATTATTTTTGTTACCATTCTAATAGACATAGGAAGAATC[G>A]TGAGACAGCCAGTGAACTTTTGATGAGGTTGAAGGACAACAGGGATCTACAGAAATTCCT-3'
Protein context (NP_003119.2, residues 1251-1271): DSIDDRHRKN[Arg1261His]ETASELLMRL